The following is an entry in ClinVar:

ClinVar aggregate classification (germline): Uncertain significance. Review status: criteria provided, single submitter (1 of 4 stars). 2 submissions from 2 submitters: Uncertain significance (1). 1 of the submissions does not count toward it. Last evaluated 2022-11-23.

Conditions:
Fibrous dysplasia of jaw (CRBM). Also called: Cherubism. Identifiers: Orphanet 184, MedGen C0008029, MONDO:0007315, OMIM 118400.

Submissions (2):

Labcorp Genetics (formerly Invitae), Labcorp
Classification: Uncertain significance for Fibrous dysplasia of jaw. Last evaluated: 2022-11-23. Review status: criteria provided, single submitter. Criteria: Invitae Variant Classification Sherloc (09022015). Collection method: clinical testing. Allele origin: germline.
Comment: This sequence change replaces glycine, which is neutral and non-polar, with glutamic acid, which is acidic and polar, at codon 420 of the SH3BP2 protein (p.Gly420Glu). In summary, the available evidence is currently insufficient to determine the role of this variant in disease. Therefore, it has been classified as a Variant of Uncertain Significance. This variant is not present in population databases (gnomAD no frequency). This missense change has been observed in individual(s) with cherubism (PMID: 11381256, 19576004). ClinVar contains an entry for this variant (Variation ID: 7553). Advanced modeling of protein sequence and biophysical properties (such as structural, functional, and spatial information, amino acid conservation, physicochemical variation, residue mobility, and thermodynamic stability) performed at Invitae indicates that this missense variant is not expected to disrupt SH3BP2 protein function. Experimental studies have shown that this missense change affects SH3BP2 function (PMID: 16786512, 22153077). This variant disrupts the p.Gly420 amino acid residue in SH3BP2. Other variant(s) that disrupt this residue have been determined to be pathogenic (PMID: 12900899, 23298620). This suggests that this residue is clinically significant, and that variants that disrupt this residue are likely to be disease-causing.

OMIM
Classification: Pathogenic for CHERUBISM. Last evaluated: 2001-06-01. Review status: no assertion criteria provided. Collection method: literature only. Allele origin: germline. Not counted in ClinVar's aggregate classification.

Literature cited by the submitters: PubMed 11381256 (cited by Labcorp Genetics (formerly Invitae), Labcorp and OMIM); PubMed 19576004 (cited by Labcorp Genetics (formerly Invitae), Labcorp); PubMed 16786512 (cited by Labcorp Genetics (formerly Invitae), Labcorp); PubMed 22153077 (cited by Labcorp Genetics (formerly Invitae), Labcorp); PubMed 12900899 (cited by Labcorp Genetics (formerly Invitae), Labcorp); PubMed 23298620 (cited by Labcorp Genetics (formerly Invitae), Labcorp).

NM_001122681.2(SH3BP2):c.1259G>A (p.Gly420Glu)

Gene: SH3BP2 (SH3 domain binding protein 2; plus strand). Cytogenetic location: 4p16.3.
Variant type: single nucleotide variant.
Coding change: c.1259G>A on transcript NM_001122681.2 (MANE Select); coding-DNA position 1259, G replaced by A.
Protein change: p.Gly420Glu; replaces glycine 420 with glutamic acid.
Molecular consequence: missense variant.
Genome position (GRCh38, 1-based): chr4:2,831,588, G>A. VCF-style: chr4-2831588-G-A. GRCh37 (hg19) VCF-style: chr4-2833315-G-A.
Other names: c.1343G>A, p.Gly448Glu (NM_001145855.2, LRG_1334t2); c.1430G>A, p.Gly477Glu (NM_001145856.2); c.1259G>A, p.Gly420Glu (NM_003023.4, LRG_1334t1); short protein forms G420E, G448E, G477E.
Identifiers: ClinVar variation 7553 (VCV000007553.5), dbSNP rs28938171, ClinGen allele CA254212.
Genomic context (GRCh38, chr4:2,831,588, plus strand): 5'-CTGACAGTGAAATGGTCCTGCCTTCCTCTCCCTGCCCCTCCAGGCGATCACCCCCCGATG[G>A]GCAGAGTTTCAGGAGCTTCTCCTTTGAAAAGCCCCGGCAACCCTCACAGGCTGACACTGG-3'
Protein context (NP_001116153.1, residues 410-430): LPHLQRSPPD[Gly420Glu]QSFRSFSFEK